The following is an entry in ClinVar:

NM_000138.5(FBN1):c.4405C>T (p.Arg1469Cys)

Gene: FBN1 (fibrillin 1; minus strand). Cytogenetic location: 15q21.1.
Variant type: single nucleotide variant.
Coding change: c.4405C>T on transcript NM_000138.5 (MANE Select); coding-DNA position 4405, C replaced by T.
Protein change: p.Arg1469Cys; replaces arginine 1469 with cysteine.
Molecular consequence: missense variant.
Genome position (GRCh38, 1-based): chr15:48,470,688, G>A on the plus strand (C>T on the coding strand, the complement: FBN1 is on the minus strand). VCF-style: chr15-48470688-G-A. GRCh37 (hg19) VCF-style: chr15-48762885-G-A.
Other names: NM_000138.5(FBN1):c.4405C>T; p.Arg1469Cys; short protein forms R1469C.
Identifiers: ClinVar variation 155793 (VCV000155793.19), dbSNP rs587782946, ClinGen allele CA015021.

ClinVar aggregate classification (germline): Uncertain significance. Review status: reviewed by expert panel (3 of 4 stars). 8 submissions from 8 submitters: Uncertain significance (1). 7 of the submissions do not count toward it. Last evaluated 2023-12-29.

Conditions:
Isolated thoracic aortic aneurysm.
Marfan syndrome (MFS). Also called: Marfan syndrome, classic; FBN1-Related Marfan Syndrome; Marfan syndrome type 1; Marfan's syndrome; MARFAN SYNDROME, TYPE I. Identifiers: Orphanet 284963, Orphanet 558, MedGen C0024796, MONDO:0007947, OMIM 154700.
Familial thoracic aortic aneurysm and aortic dissection (TAAD). Also called: Thoracic aortic aneurysms and dissections. Identifiers: Orphanet 91387, MedGen C4707243, MONDO:0019625.
FBN1-related disorder. Also called: FBN1-related disorders.

Allele frequency attached by ClinVar (database versions not stated): gnomAD exomes 0.00001; ExAC 0.00001; gnomAD 0.00003.
gnomAD v4.1: 7 of 1,613,878 alleles (0.00043%); highest among the groups gnomAD compares: East Asian, 0.0022%; no homozygotes.

Submissions (8):

ClinGen FBN1 Variant Curation Expert Panel, ClinGen
Classification: Uncertain significance for Marfan syndrome. Last evaluated: 2023-12-29. Review status: reviewed by expert panel. Criteria: Assertion Criteria VCEP FBN1 Version 1. Collection method: curation. Allele origin: germline. Inheritance: Autosomal dominant inheritance.
Comment: NM_000138.5 c.4405C>T is a missense variant in FBN1 predicted to cause a substitution of an arginine by cysteine at amino acid 1469 (p.Arg1469Cys). This variant has been identified in at least two individuals in the literature including one proband with thoracic aortic aneurysm and dissection (TAAD) and one without specific phenotype details available (PS4_supporting; PMIDs: 33824467, 27906200). This variant is present in gnomAD, with a maximum frequency of 0.0066% (1/15268 alleles) in the Admixed American subpopulation (v3.1.2); please note that despite this frequency exceeding the threshold for application of BS1 per the VCEP specifications, because of the small total allele count for this subpopulation, the VCEP opted not to apply any population criteria based on this evidence. This variant introduces a novel cysteine residue which may impede the normal formation of critical disulfide bridges (PM1). Computational prediction tools and conservation analysis support that this variant is likely to impact the protein (PP3; REVEL = 0.772). The constraint z-score for missense variants affecting FBN1 is 5.06 (PP2). However, due to insufficient evidence, this variant is classified as of uncertain significance for Marfan syndrome based on the ACMG/AMP criteria applied, as specified by the ClinGen FBN1 VCEP: PM1, PS4_supporting, PP2, PP3.

Labcorp Genetics (formerly Invitae), Labcorp
Classification: Likely pathogenic for Marfan syndrome; Familial thoracic aortic aneurysm and aortic dissection. Last evaluated: 2025-02-25. Review status: criteria provided, single submitter. Criteria: Invitae Variant Classification Sherloc (09022015). Collection method: clinical testing. Allele origin: germline. Not counted in ClinVar's aggregate classification.
Comment: This sequence change replaces arginine, which is basic and polar, with cysteine, which is neutral and slightly polar, at codon 1469 of the FBN1 protein (p.Arg1469Cys). This variant is present in population databases (rs587782946, gnomAD 0.005%). This missense change has been observed in individual(s) with FBN1-related conditions (PMID: 27906200, 33824467). ClinVar contains an entry for this variant (Variation ID: 155793). Invitae Evidence Modeling of protein sequence and biophysical properties (such as structural, functional, and spatial information, amino acid conservation, physicochemical variation, residue mobility, and thermodynamic stability) indicates that this missense variant is expected to disrupt FBN1 protein function with a positive predictive value of 95%. This variant disrupts the p.Arg1469 amino acid residue in FBN1. Other variant(s) that disrupt this residue have been observed in individuals with FBN1-related conditions (PMID: 29543232, 33824467; internal data), which suggests that this may be a clinically significant amino acid residue. In summary, the currently available evidence indicates that the variant is pathogenic, but additional data are needed to prove that conclusively. Therefore, this variant has been classified as Likely Pathogenic.

Ambry Genetics
Classification: Uncertain significance for Familial thoracic aortic aneurysm and aortic dissection. Last evaluated: 2024-12-11. Review status: criteria provided, single submitter. Criteria: Ambry Variant Classification Scheme 2023. Collection method: clinical testing. Allele origin: germline. Not counted in ClinVar's aggregate classification.
Comment: The p.R1469C variant (also known as c.4405C>T), located in coding exon 35 of the FBN1 gene, results from a C to T substitution at nucleotide position 4405. The arginine at codon 1469 is replaced by cysteine, an amino acid with highly dissimilar properties. This variant was reported in an isolated thoracic aortic aneurysm and dissection cohort, but clinical details were limited (Li Y et al. Eur J Hum Genet, 2021 Jul;29:1129-1138). This amino acid position is highly conserved in available vertebrate species. In addition, this alteration is predicted to be deleterious by in silico analysis. Based on the available evidence, the clinical significance of this variant remains unclear.

GeneDx
Classification: Likely pathogenic. Last evaluated: 2023-12-09. Review status: criteria provided, single submitter. Criteria: GeneDx Variant Classification Process June 2021. Collection method: clinical testing. Allele origin: germline. Affected: yes. Not counted in ClinVar's aggregate classification.
Comment: Introduces a new cysteine residue within a calcium-binding EGF-like domain of the FBN1 gene, which may affect disulfide bonding and is predicted to alter the structure and function of the protein; cysteine substitutions in the calcium-binding EGF-like domains represent the majority of pathogenic missense changes associated with FBN1-related disorders (PMID: 12938084); Not observed at significant frequency in large population cohorts (gnomAD); In silico analysis supports that this missense variant has a deleterious effect on protein structure/function; This variant is associated with the following publications: (PMID: 27906200, 33824467, 12938084)

Color Diagnostics, LLC DBA Color Health
Classification: Uncertain significance for Familial thoracic aortic aneurysm and aortic dissection. Last evaluated: 2023-07-12. Review status: criteria provided, single submitter. Criteria: ACMG Guidelines, 2015. Collection method: clinical testing. Allele origin: germline. Not counted in ClinVar's aggregate classification.
Comment: This missense variant replaces arginine with cysteine at codon 1469 in a calcium-binding EGF-like domain of the FBN1 protein. Cysteine creating variants in cbEGF-like domains have been shown to affect protein stability and are overrepresented among patients with Marfan syndrome (PMID: 15161917, 16571647, 17701892). Computational prediction suggests that this variant may have deleterious impact on protein structure and function (internally defined REVEL score threshold >= 0.7, PMID: 27666373). To our knowledge, functional studies have not been performed for this variant. This variant has been reported in an individual affected with isolated thoracic aortic aneurysm and aortic dissection (PMID: 33824467). This variant has been identified in 3/282638 chromosomes in the general population by the Genome Aggregation Database (gnomAD). A different amino acid change at the same position (p.Arg1469Pro) has been observed in a family affected with Marfan syndrome (Clinvar variation ID: 42361). Additional studies are necessary to determine the role of this variant in disease conclusively. Therefore, this variant is classified as a Variant of Uncertain Significance.

All of Us Research Program, National Institutes of Health
Classification: Uncertain significance for Marfan syndrome. Last evaluated: 2023-05-23. Review status: criteria provided, single submitter. Criteria: ACMG Guidelines, 2015. Collection method: clinical testing. Allele origin: germline. Inheritance: Autosomal dominant inheritance. Observed: 1 variant allele, 1 heterozygote. Not counted in ClinVar's aggregate classification.
Comment: This missense variant replaces arginine with cysteine at codon 1469 of the FBN1 protein. Computational prediction suggests that this variant may have deleterious impact on protein structure and function (internally defined REVEL score threshold >= 0.7, PMID: 27666373). Splice site prediction tools suggest that this variant may not impact RNA splicing. To our knowledge, functional studies have not been performed for this variant. This variant has not been reported in individuals affected with cardiovascular disorders in the literature. This variant has been identified in 3/282638 chromosomes in the general population by the Genome Aggregation Database (gnomAD). A different amino acid change at the same position (p.Arg1469Pro) has been observed in a family affected with Marfan syndrome (Clinvar variation ID: 42361). Additional studies are necessary to determine the role of this variant in disease conclusively. Therefore, this variant is classified as a Variant of Uncertain Significance.

This study involves interpretation of variants in research participants for the purpose of population health screening. Participant phenotype was not available at the time of variant classification. Additional details can be found in publication PMID: 35346344, PMCID: PMC8962531

Blueprint Genetics
Classification: Likely pathogenic for FBN1-related disorders. Last evaluated: 2022-11-16. Review status: criteria provided, single submitter. Criteria: ACMG Guidelines, 2015. Collection method: clinical testing. Allele origin: germline. Affected: yes. Observed: 5 variant alleles. Not counted in ClinVar's aggregate classification.

Department of Vascular Biology, Beijing Anzhen Hospital
Classification: Uncertain significance for Isolated thoracic aortic aneurysm. Last evaluated: 2018-09-01. Review status: criteria provided, single submitter. Criteria: ACMG Guidelines, 2015. Collection method: research. Allele origin: germline. Affected: yes. Not counted in ClinVar's aggregate classification.

Literature cited by the submitters: PubMed 27906200 (cited by Labcorp Genetics (formerly Invitae), Labcorp); PubMed 33824467 (cited by 3 submitters); PubMed 29543232 (cited by Labcorp Genetics (formerly Invitae), Labcorp); PubMed 15161917 (cited by Color Diagnostics, LLC DBA Color Health); PubMed 16571647 (cited by Color Diagnostics, LLC DBA Color Health); PubMed 17701892 (cited by Color Diagnostics, LLC DBA Color Health).